The following is an entry in ClinVar:

NM_014991.6(WDFY3):c.1567C>T (p.Pro523Ser)

Gene: WDFY3 (WD repeat and FYVE domain containing 3; minus strand). Cytogenetic location: 4q21.23.
Variant type: single nucleotide variant.
Coding change: c.1567C>T on transcript NM_014991.6 (MANE Select); coding-DNA position 1567, C replaced by T.
Protein change: p.Pro523Ser; replaces proline 523 with serine.
Molecular consequence: missense variant.
Genome position (GRCh38, 1-based): chr4:84,821,108, G>A on the plus strand (C>T on the coding strand, the complement: WDFY3 is on the minus strand). VCF-style: chr4-84821108-G-A. GRCh37 (hg19) VCF-style: chr4-85742261-G-A.
Other names: short protein forms P523S.
Identifiers: ClinVar variation 3370561 (VCV003370561.1).

ClinVar aggregate classification (germline): Uncertain significance (1 of 4 stars; one submission).

Submission:

GeneDx
Classification: Uncertain significance. Last evaluated: 2024-03-07. Review status: criteria provided, single submitter. Criteria: GeneDx Variant Classification Process June 2021. Collection method: clinical testing. Allele origin: germline. Affected: yes.
Comment: Not observed at significant frequency in large population cohorts (gnomAD); In silico analysis supports that this missense variant does not alter protein structure/function; Has not been previously published as pathogenic or benign to our knowledge